The following is an entry in ClinVar:

ClinVar aggregate classification (germline): Uncertain significance (1 of 4 stars; one submission).

Conditions:
Insulin-dependent diabetes mellitus secretory diarrhea syndrome (IPEX). Also called: Immune dysregulation-polyendocrinopathy-enteropathy-X-linked syndrome; Immunodysregulation, polyendocrinopathy, and enteropathy, X-linked; Immunodeficiency, Polyendocrinopathy, and Enteropathy X-Linked Syndrome; X-Linked Syndrome of Polyendocrinopathy, Immune Dysfunction, and Diarrhea; IPEX and IPEX-Like; DIABETES MELLITUS, CONGENITAL INSULIN-DEPENDENT, WITH FATAL SECRETORY DIARRHEA. Identifiers: Orphanet 37042, MedGen C0342288, MONDO:0010580, OMIM 304790. Disease mechanism: loss of function.

Submission:

Labcorp Genetics (formerly Invitae), Labcorp
Classification: Uncertain significance for Insulin-dependent diabetes mellitus secretory diarrhea syndrome. Last evaluated: 2025-05-22. Review status: criteria provided, single submitter. Criteria: Invitae Variant Classification Sherloc (09022015). Collection method: clinical testing. Allele origin: germline.
Comment: This sequence change replaces tryptophan, which is neutral and slightly polar, with arginine, which is basic and polar, at codon 295 of the FOXP3 protein (p.Trp295Arg). This variant is not present in population databases (gnomAD no frequency). This variant has not been reported in the literature in individuals affected with FOXP3-related conditions. ClinVar contains an entry for this variant (Variation ID: 2743402). Invitae Evidence Modeling of protein sequence and biophysical properties (such as structural, functional, and spatial information, amino acid conservation, physicochemical variation, residue mobility, and thermodynamic stability) indicates that this missense variant is not expected to disrupt FOXP3 protein function with a negative predictive value of 80%. In summary, the available evidence is currently insufficient to determine the role of this variant in disease. Therefore, it has been classified as a Variant of Uncertain Significance.

NM_014009.4(FOXP3):c.883T>C (p.Trp295Arg)

Gene: FOXP3 (forkhead box P3; minus strand). Cytogenetic location: Xp11.23.
Variant type: single nucleotide variant.
Coding change: c.883T>C on transcript NM_014009.4 (MANE Select); coding-DNA position 883, T replaced by C.
Protein change: p.Trp295Arg; replaces tryptophan 295 with arginine.
Molecular consequence: missense variant.
Genome position (GRCh38, 1-based): chrX:49,254,001, A>G on the plus strand (T>C on the coding strand, the complement: FOXP3 is on the minus strand). VCF-style: chrX-49254001-A-G. GRCh37 (hg19) VCF-style: chrX-49110462-A-G.
Other names: c.778T>C, p.Trp260Arg (NM_001114377.2); short protein forms W295R, W260R.
Identifiers: ClinVar variation 2743402 (VCV002743402.3), dbSNP rs2519189620, ClinGen allele CA412950703.
Genomic context (GRCh38, chrX:49,254,001, plus strand): 5'-TACCCCACAGGTGCCTCCGGACAGCAAACAGGCTGTCAGGGGCCTCCCGGGGGCCAGACC[A>G]GGCTGGGACGACAGGGCCTTGGCTGCCAGCAGCTACGATGCAGCAGGAGCCCTTGTCGGA-3'
Protein context (NP_054728.2, residues 285-305): AGSQGPVVPA[Trp295Arg]SGPREAPDSL